The following is an entry in ClinVar:

ClinVar aggregate classification (germline): Uncertain significance (1 of 4 stars; one submission).

Conditions:
Cataract 38. Also called: Cataract, autosomal recessive congenital 5; Cataract 38, autosomal recessive. Identifiers: Orphanet 91492, MedGen C3553494, MONDO:0013859, OMIM 614691.
Sengers syndrome. Also called: MITOCHONDRIAL DNA DEPLETION SYNDROME 10 (CARDIOMYOPATHIC TYPE); Cardiomyopathy and cataract. Identifiers: Orphanet 1369, MedGen C1859317, MONDO:0008922, OMIM 212350.

gnomAD v4.1: 68 of 1,612,468 alleles (0.0042%); highest among the groups gnomAD compares: Middle Eastern, 0.016%; no homozygotes.

Submission:

Labcorp Genetics (formerly Invitae), Labcorp
Classification: Uncertain significance for Sengers syndrome; Cataract 38. Last evaluated: 2023-01-08. Review status: criteria provided, single submitter. Criteria: Invitae Variant Classification Sherloc (09022015). Collection method: clinical testing. Allele origin: germline.
Comment: In summary, the available evidence is currently insufficient to determine the role of this variant in disease. Therefore, it has been classified as a Variant of Uncertain Significance. Variants that disrupt the consensus splice site are a relatively common cause of aberrant splicing (PMID: 17576681, 9536098). Algorithms developed to predict the effect of sequence changes on RNA splicing suggest that this variant is not likely to affect RNA splicing. This variant has not been reported in the literature in individuals affected with AGK-related conditions. This variant is present in population databases (rs766413410, gnomAD 0.007%). This sequence change falls in intron 7 of the AGK gene. It does not directly change the encoded amino acid sequence of the AGK protein. It affects a nucleotide within the consensus splice site.

Literature cited by the submitters: PubMed 17576681; PubMed 9536098.

NM_018238.4(AGK):c.424-3C>T

Gene: AGK (acylglycerol kinase; plus strand). Cytogenetic location: 7q34.
Variant type: single nucleotide variant.
Coding change: c.424-3C>T on transcript NM_018238.4 (MANE Select); 3 bases into the intron before coding-DNA position 424, C replaced by T.
Molecular consequence: intron variant.
Genome position (GRCh38, 1-based): chr7:141,615,468, C>T. VCF-style: chr7-141615468-C-T. GRCh37 (hg19) VCF-style: chr7-141315268-C-T.
Other names: c.424-3C>T (NM_001364948.3).
Identifiers: ClinVar variation 2163703 (VCV002163703.2), dbSNP rs766413410, ClinGen allele CA4517461.